The following is an entry in ClinVar:

ClinVar aggregate classification (germline): Uncertain significance (1 of 4 stars; one submission).

Submission:

Labcorp Genetics (formerly Invitae), Labcorp
Classification: Uncertain significance. Last evaluated: 2025-06-23. Review status: criteria provided, single submitter. Criteria: Invitae Variant Classification Sherloc (09022015). Collection method: clinical testing. Allele origin: germline.
Comment: This sequence change replaces isoleucine, which is neutral and non-polar, with asparagine, which is neutral and polar, at codon 109 of the C1QA protein (p.Ile109Asn). This variant is not present in population databases (gnomAD no frequency). This variant has not been reported in the literature in individuals affected with C1QA-related conditions. ClinVar contains an entry for this variant (Variation ID: 1714133). An algorithm developed to predict the effect of missense changes on protein structure and function (PolyPhen-2) suggests that this variant is likely to be tolerated. In summary, the available evidence is currently insufficient to determine the role of this variant in disease. Therefore, it has been classified as a Variant of Uncertain Significance.

NM_015991.4(C1QA):c.326T>A (p.Ile109Asn)

Gene: C1QA (complement C1q A chain; plus strand). Cytogenetic location: 1p36.12.
Variant type: single nucleotide variant.
Coding change: c.326T>A on transcript NM_015991.4 (MANE Select); coding-DNA position 326, T replaced by A.
Protein change: p.Ile109Asn; replaces isoleucine 109 with asparagine.
Molecular consequence: missense variant.
Genome position (GRCh38, 1-based): chr1:22,638,995, T>A. VCF-style: chr1-22638995-T-A. GRCh37 (hg19) VCF-style: chr1-22965488-T-A.
Other names: c.326T>A, p.Ile109Asn (NM_001347465.2, NM_001347466.2); short protein forms I109N.
Identifiers: ClinVar variation 1714133 (VCV001714133.5), dbSNP rs2148290943, ClinGen allele CA338928839.